The following is an entry in ClinVar:

NM_022370.4(ROBO3):c.1615C>T (p.Arg539Trp)

Gene: ROBO3 (roundabout guidance receptor 3; plus strand). Cytogenetic location: 11q24.2.
Variant type: single nucleotide variant.
Coding change: c.1615C>T on transcript NM_022370.4 (MANE Select); coding-DNA position 1615, C replaced by T.
Protein change: p.Arg539Trp; replaces arginine 539 with tryptophan.
Molecular consequence: missense variant.
Genome position (GRCh38, 1-based): chr11:124,873,388, C>T. VCF-style: chr11-124873388-C-T. GRCh37 (hg19) VCF-style: chr11-124743284-C-T.
Other names: short protein forms R539W.
Identifiers: ClinVar variation 303241 (VCV000303241.34), dbSNP rs139930558, ClinGen allele CA6343540.
Genomic context (GRCh38, chr11:124,873,388, plus strand): 5'-TACAGCTGCGTGGCCAAGAGTTCCACAGGGGAAGCCACATGGAGCGGCTGGCTTAAGATG[C>T]GGGGTGAGTTTTTTCTTTCTTCCCTTATTTTGATAATACCTTCCTCCAAACCTGCTTCAA-3'
Protein context (NP_071765.2, residues 529-549): EATWSGWLKM[Arg539Trp]EDWGVSPDPP

ClinVar aggregate classification (germline): Benign. Review status: criteria provided, multiple submitters, no conflicts (2 of 4 stars). 4 submissions from 4 submitters: Benign (4). Last evaluated 2026-09-01.

Conditions:
Gaze palsy, familial horizontal, with progressive scoliosis 1 (HGPPS1). Identifiers: Orphanet 2744, MedGen C4551964, MONDO:0020790, OMIM 607313.

Allele frequency attached by ClinVar (database versions not stated): gnomAD exomes 0.00305; ExAC 0.00348; ESP Exome Variant Server 0.00432; gnomAD 0.00511 and 0.00540; 1000 Genomes Project 0.00599; 1000 Genomes Project 30x 0.00640; TOPMed 0.00655.
gnomAD v4.1: 3,484 of 1,610,618 alleles (0.22%); highest among the groups gnomAD compares: African/African-American, 1.2%; 19 homozygotes.

Submissions (4):

CeGaT Center for Human Genetics Tuebingen
Classification: Benign. Last evaluated: 2026-09-01. Review status: criteria provided, single submitter. Criteria: CeGaT Center For Human Genetics Tuebingen Variant Classification Criteria Version 2. Collection method: clinical testing. Allele origin: germline. Affected: yes. Observed: 3 variant alleles.
Comment: ROBO3: BP4, BS1, BS2

Labcorp Genetics (formerly Invitae), Labcorp
Classification: Benign. Last evaluated: 2019-12-31. Review status: criteria provided, single submitter. Criteria: Invitae Variant Classification Sherloc (09022015). Collection method: clinical testing. Allele origin: germline.

Illumina Laboratory Services, Illumina
Classification: Benign for Gaze palsy, familial horizontal, with progressive scoliosis 1. Last evaluated: 2018-01-13. Review status: criteria provided, single submitter. Criteria: ICSL Variant Classification Criteria 13 December 2019. Collection method: clinical testing. Allele origin: germline.
Comment: This variant was observed in the ICSL laboratory as part of a predisposition screen in an ostensibly healthy population. It had not been previously curated by ICSL or reported in the Human Gene Mutation Database (HGMD: prior to June 1st, 2018), and was therefore a candidate for classification through an automated scoring system. Utilizing variant allele frequency, disease prevalence and penetrance estimates, and inheritance mode, an automated score was calculated to assess if this variant is too frequent to cause the disease. Based on the score and internal cut-off values, a variant classified as benign is not then subjected to further curation. The score for this variant resulted in a classification of benign for this disease.

Breakthrough Genomics
Classification: Benign. Review status: criteria provided, single submitter. Criteria: ACMG Guidelines, 2015. Collection method: not provided. Allele origin: germline. Inheritance: Autosomal recessive inheritance. Affected: yes.